The following is an entry in ClinVar:

NM_024685.4(BBS10):c.203T>C (p.Ile68Thr)

Gene: BBS10 (Bardet-Biedl syndrome 10; minus strand). Cytogenetic location: 12q21.2.
Variant type: single nucleotide variant.
Coding change: c.203T>C on transcript NM_024685.4 (MANE Select); coding-DNA position 203, T replaced by C.
Protein change: p.Ile68Thr; replaces isoleucine 68 with threonine.
Molecular consequence: missense variant.
Genome position (GRCh38, 1-based): chr12:76,347,782, A>G on the plus strand (T>C on the coding strand, the complement: BBS10 is on the minus strand). VCF-style: chr12-76347782-A-G. GRCh37 (hg19) VCF-style: chr12-76741562-A-G.
Other names: short protein forms I68T.
Identifiers: ClinVar variation 1022705 (VCV001022705.6), dbSNP rs750428156, ClinGen allele CA6694387.

ClinVar aggregate classification (germline): Uncertain significance (1 of 4 stars; one submission).

Conditions:
Bardet-Biedl syndrome (BBS). Identifiers: Orphanet 110, MedGen C0752166, MONDO:0015229.

Allele frequency attached by ClinVar (database versions not stated): gnomAD exomes below 0.00001; TOPMed below 0.00001; ExAC 0.00001.

Submission:

Labcorp Genetics (formerly Invitae), Labcorp
Classification: Uncertain significance for Bardet-Biedl syndrome. Last evaluated: 2021-08-30. Review status: criteria provided, single submitter. Criteria: Invitae Variant Classification Sherloc (09022015). Collection method: clinical testing. Allele origin: germline.
Comment: This sequence change replaces isoleucine with threonine at codon 68 of the BBS10 protein (p.Ile68Thr). The isoleucine residue is moderately conserved and there is a moderate physicochemical difference between isoleucine and threonine. This variant is present in population databases (rs750428156, ExAC 0.002%). This variant has not been reported in the literature in individuals affected with BBS10-related conditions. Algorithms developed to predict the effect of missense changes on protein structure and function are either unavailable or do not agree on the potential impact of this missense change (SIFT: "Deleterious"; PolyPhen-2: "Possibly Damaging"; Align-GVGD: "Class C0"). In summary, the available evidence is currently insufficient to determine the role of this variant in disease. Therefore, it has been classified as a Variant of Uncertain Significance.